The following is an entry in ClinVar:

NM_001134407.3(GRIN2A):c.2157C>G (p.Ser719Arg)

Gene: GRIN2A (glutamate ionotropic receptor NMDA type subunit 2A; minus strand). Cytogenetic location: 16p13.2.
Variant type: single nucleotide variant.
Coding change: c.2157C>G on transcript NM_001134407.3 (MANE Select); coding-DNA position 2157, C replaced by G.
Protein change: p.Ser719Arg; replaces serine 719 with arginine.
Molecular consequence: missense variant.
Genome position (GRCh38, 1-based): chr16:9,822,275, G>C on the plus strand (C>G on the coding strand, the complement: GRIN2A is on the minus strand). VCF-style: chr16-9822275-G-C. GRCh37 (hg19) VCF-style: chr16-9916132-G-C.
Other names: c.2157C>G, p.Ser719Arg (NM_000833.5, NM_001134408.2); short protein forms S719R.
Identifiers: ClinVar variation 1507168 (VCV001507168.8), dbSNP rs1482585408, ClinGen allele CA394797666.

ClinVar aggregate classification (germline): Uncertain significance (1 of 4 stars; one submission).

Conditions:
Landau-Kleffner syndrome (FESD). Also called: EPILEPSY, FOCAL, WITH SPEECH DISORDER AND WITH OR WITHOUT MENTAL RETARDATION; APHASIA, ACQUIRED, WITH EPILEPSY. Identifiers: Orphanet 1945, Orphanet 725, Orphanet 98818, MedGen C0282512, MONDO:0009509, OMIM 245570.

Allele frequency attached by ClinVar (database versions not stated): gnomAD exomes below 0.00001; TOPMed 0.00001.
gnomAD v4.1: 1 of 1,613,758 alleles (0.000062%); highest among the groups gnomAD compares: African/African-American, 0.0013%; no homozygotes.

Submission:

Labcorp Genetics (formerly Invitae), Labcorp
Classification: Uncertain significance for Landau-Kleffner syndrome. Last evaluated: 2022-08-31. Review status: criteria provided, single submitter. Criteria: Invitae Variant Classification Sherloc (09022015). Collection method: clinical testing. Allele origin: germline.
Comment: In summary, the available evidence is currently insufficient to determine the role of this variant in disease. Therefore, it has been classified as a Variant of Uncertain Significance. Advanced modeling of protein sequence and biophysical properties (such as structural, functional, and spatial information, amino acid conservation, physicochemical variation, residue mobility, and thermodynamic stability) performed at Invitae indicates that this missense variant is expected to disrupt GRIN2A protein function. ClinVar contains an entry for this variant (Variation ID: 1507168). This missense change has been observed in individual(s) with clinical features of GRIN2A-related conditions (Invitae). This variant is present in population databases (no rsID available, gnomAD 0.007%). This sequence change replaces serine, which is neutral and polar, with arginine, which is basic and polar, at codon 719 of the GRIN2A protein (p.Ser719Arg).